The following is an entry in ClinVar:

ClinVar aggregate classification (germline): Uncertain significance. Review status: criteria provided, multiple submitters, no conflicts (2 of 4 stars). 2 submissions from 2 submitters: Uncertain significance (2). Last evaluated 2024-12-23.

Allele frequency attached by ClinVar (database versions not stated): TOPMed below 0.00001; gnomAD 0.00001.
gnomAD v4.1: 11 of 1,570,690 alleles (0.0007%); highest among the groups gnomAD compares: Admixed American, 0.02%; no homozygotes.

Submissions (2):

Ambry Genetics
Classification: Uncertain significance. Last evaluated: 2024-12-23. Review status: criteria provided, single submitter. Criteria: Ambry Variant Classification Scheme 2023. Collection method: clinical testing. Allele origin: germline.

Labcorp Genetics (formerly Invitae), Labcorp
Classification: Uncertain significance. Last evaluated: 2022-03-30. Review status: criteria provided, single submitter. Criteria: Invitae Variant Classification Sherloc (09022015). Collection method: clinical testing. Allele origin: germline.
Comment: This sequence change replaces threonine, which is neutral and polar, with serine, which is neutral and polar, at codon 415 of the LOXL3 protein (p.Thr415Ser). This variant is present in population databases (no rsID available, gnomAD 0.02%). This variant has not been reported in the literature in individuals affected with LOXL3-related conditions. Algorithms developed to predict the effect of missense changes on protein structure and function (SIFT, PolyPhen-2, Align-GVGD) all suggest that this variant is likely to be tolerated. In summary, the available evidence is currently insufficient to determine the role of this variant in disease. Therefore, it has been classified as a Variant of Uncertain Significance.

NM_032603.5(LOXL3):c.1244C>G (p.Thr415Ser)

Gene: LOXL3 (lysyl oxidase like 3; minus strand). Cytogenetic location: 2p13.1.
Variant type: single nucleotide variant.
Coding change: c.1244C>G on transcript NM_032603.5 (MANE Select); coding-DNA position 1244, C replaced by G.
Protein change: p.Thr415Ser; replaces threonine 415 with serine.
Molecular consequence: missense variant.
Genome position (GRCh38, 1-based): chr2:74,536,000, G>C on the plus strand (C>G on the coding strand, the complement: LOXL3 is on the minus strand). VCF-style: chr2-74536000-G-C. GRCh37 (hg19) VCF-style: chr2-74763127-G-C.
Other names: c.809C>G, p.Thr270Ser (NM_001289164.3); c.161C>G, p.Thr54Ser (NM_001289165.2); c.1244C>G (NM_032603.2); short protein forms T270S, T415S, T54S.
Identifiers: ClinVar variation 2060441 (VCV002060441.2), dbSNP rs1375568938, ClinGen allele CA347388339.